The following is an entry in ClinVar:

NM_025137.4(SPG11):c.4717C>G (p.Leu1573Val)

Gene: SPG11 (SPG11 vesicle trafficking associated, spatacsin; minus strand). Cytogenetic location: 15q21.1.
Variant type: single nucleotide variant.
Coding change: c.4717C>G on transcript NM_025137.4 (MANE Select); coding-DNA position 4717, C replaced by G.
Protein change: p.Leu1573Val; replaces leucine 1573 with valine.
Molecular consequence: missense variant.
Genome position (GRCh38, 1-based): chr15:44,592,357, G>C on the plus strand (C>G on the coding strand, the complement: SPG11 is on the minus strand). VCF-style: chr15-44592357-G-C. GRCh37 (hg19) VCF-style: chr15-44884555-G-C.
Other names: c.4717C>G, p.Leu1573Val (NM_001160227.2); short protein forms L1573V.
Identifiers: ClinVar variation 854291 (VCV000854291.9), dbSNP rs560868702, ClinGen allele CA392225200.

ClinVar aggregate classification (germline): Uncertain significance (1 of 4 stars; one submission).

Conditions:
Hereditary spastic paraplegia 11. Also called: Nakamura Osame syndrome; Autosomal recessive hereditary spastic paraplegia, mental impairment, and thin corpus callosum; SPASTIC PARAPLEGIA, AUTOSOMAL RECESSIVE, COMPLICATED, WITH THIN CORPUS CALLOSUM; SPASTIC PARAPLEGIA, AUTOSOMAL RECESSIVE, WITH MENTAL IMPAIRMENT AND THIN CORPUS CALLOSUM; Spastic paraplegia, mental retardation and thin corpus callosum; Spastic Paraplegia 11. Identifiers: Orphanet 2822, MedGen C1858479, MONDO:0011445, OMIM 604360.

Submission:

Labcorp Genetics (formerly Invitae), Labcorp
Classification: Uncertain significance for Hereditary spastic paraplegia 11. Last evaluated: 2020-02-11. Review status: criteria provided, single submitter. Criteria: Invitae Variant Classification Sherloc (09022015). Collection method: clinical testing. Allele origin: germline.
Comment: This sequence change replaces leucine with valine at codon 1573 of the SPG11 protein (p.Leu1573Val). The leucine residue is moderately conserved and there is a small physicochemical difference between leucine and valine. This variant is not present in population databases (ExAC no frequency). This variant has not been reported in the literature in individuals with SPG11-related conditions. Algorithms developed to predict the effect of missense changes on protein structure and function output the following: SIFT: "Tolerated"; PolyPhen-2: "Benign"; Align-GVGD: "Class C0". The valine amino acid residue is found in multiple mammalian species, suggesting that this missense change does not adversely affect protein function. These predictions have not been confirmed by published functional studies and their clinical significance is uncertain. In summary, the available evidence is currently insufficient to determine the role of this variant in disease. Therefore, it has been classified as a Variant of Uncertain Significance.